The following is an entry in ClinVar:

ClinVar aggregate classification (germline): Likely pathogenic (1 of 4 stars; one submission).

Conditions:
Intellectual developmental disorder, autosomal dominant 45. Also called: MENTAL RETARDATION, AUTOSOMAL DOMINANT 45; Intellectual disability, autosomal dominant 45. Identifiers: MedGen C4539848, MONDO:0030910, OMIM 617600.

Submission:

Juno Genomics, Hangzhou Juno Genomics, Inc
Classification: Likely pathogenic for Intellectual developmental disorder, autosomal dominant 45. Review status: criteria provided, single submitter. Criteria: ACMG Guidelines, 2015. Collection method: clinical testing. Allele origin: germline.
Comment: Null variant in a gene where loss of function (LOF) is a known mechanism of disease.;Absent from controls (or at extremely low frequency if recessive) in Genome Aggregation Database.

NM_001386298.1(CIC):c.3977dup (p.Leu1327fs)

Gene: CIC (capicua transcriptional repressor; plus strand). Cytogenetic location: 19q13.2.
Variant type: Duplication.
Coding change: c.3977dup on transcript NM_001386298.1 (MANE Select); coding-DNA position 3977, one base duplicated (C; older notation c.3977dupC).
Protein change: p.Leu1327fs; shifts the reading frame from leucine 1327.
Molecular consequence: frameshift variant.
Genome position (GRCh38, 1-based): chr19:42,289,296, C duplicated; the last of 5 consecutive C bases (chr19:42,289,292-42,289,296); duplicating any one gives the same sequence. VCF-style (leftmost placement, unchanged base first): chr19-42289291-G-GC. GRCh37 (hg19) VCF-style: chr19-42793443-G-GC.
Other names: c.3977dup, p.Leu1327fs (NM_001304815.2, NM_001379480.1, NM_001379482.1 and 6 more transcripts); c.1250dup, p.Leu418fs (NM_001379484.1, NM_001379485.1, NM_001439189.1 and 3 more transcripts); short protein forms L1327fs, L418fs.
Identifiers: ClinVar variation 5006003 (VCV005006003.2).